The following is an entry in ClinVar:

NC_000002.12:g.223752845T>C

Gene: AP1S3 (adaptor related protein complex 1 subunit sigma 3; minus strand). Cytogenetic location: 2q36.1.
Variant type: single nucleotide variant.
Genome position: GRCh38 VCF-style: chr2-223752845-T-C. GRCh37 (hg19) VCF-style: chr2-224617562-T-C.
Identifiers: ClinVar variation 2651946 (VCV002651946.24), dbSNP rs555805533, ClinGen allele CA2138238.
Genomic context (GRCh38, chr2:223,752,845, plus strand): 5'-CTTTTTTTTTTTTTTTAGATGGAGTTTTGCTCTTGTTGCCTAGGCTAGAGTGCAATGGCA[T>C]GATCTCGGCTCACTGCAATCTCTGCCTCTGGGGCTCAAACGATTCTCCTGCCTCAGTCTC-3'

ClinVar aggregate classification (germline): Likely benign (1 of 4 stars; one submission).

Allele frequency attached by ClinVar (database versions not stated): gnomAD exomes 0.00019; ExAC 0.00063; 1000 Genomes Project 0.00319; 1000 Genomes Project 30x 0.00390; gnomAD 0.00414; TOPMed 0.00458.

Submission:

CeGaT Center for Human Genetics Tuebingen
Classification: Likely benign. Last evaluated: 2023-02-01. Review status: criteria provided, single submitter. Criteria: CeGaT Center For Human Genetics Tuebingen Variant Classification Criteria Version 2. Collection method: clinical testing. Allele origin: germline. Affected: yes. Observed: 2 variant alleles.
Comment: AP1S3: BP4, BP7, BS1